The following is an entry in ClinVar:

ClinVar aggregate classification (germline): Conflicting classifications of pathogenicity. Review status: criteria provided, conflicting classifications (1 of 4 stars). 2 submissions from 2 submitters: Uncertain significance (1); Likely benign (1). Last evaluated 2025-10-14.

Conditions:
Capillary malformation-arteriovenous malformation syndrome. Also called: Capillary malformation-arteriovenous malformation. Identifiers: Orphanet 137667, MedGen C1842180, MONDO:0012016.
Cardiovascular phenotype. Identifiers: MedGen CN230736.

Allele frequency attached by ClinVar (database versions not stated): ExAC 0.00002; gnomAD exomes 0.00004; gnomAD 0.00001; TOPMed 0.00003.
gnomAD v4.1: 77 of 1,602,240 alleles (0.0048%); highest among the groups gnomAD compares: Non-Finnish European, 0.0054%; no homozygotes.

Submissions (2):

Labcorp Genetics (formerly Invitae), Labcorp
Classification: Uncertain significance for Capillary malformation-arteriovenous malformation syndrome. Last evaluated: 2025-10-14. Review status: criteria provided, single submitter. Criteria: Invitae Variant Classification Sherloc (09022015). Collection method: clinical testing. Allele origin: germline.
Comment: This sequence change replaces phenylalanine, which is neutral and non-polar, with leucine, which is neutral and non-polar, at codon 471 of the RASA1 protein (p.Phe471Leu). This variant is present in population databases (rs763902213, gnomAD 0.005%). This variant has not been reported in the literature in individuals affected with RASA1-related conditions. ClinVar contains an entry for this variant (Variation ID: 2155493). An algorithm developed to predict the effect of missense changes on protein structure and function (PolyPhen-2) suggests that this variant is likely to be disruptive. In summary, the available evidence is currently insufficient to determine the role of this variant in disease. Therefore, it has been classified as a Variant of Uncertain Significance.

Ambry Genetics
Classification: Likely benign for Cardiovascular phenotype. Last evaluated: 2025-08-03. Review status: criteria provided, single submitter. Criteria: Ambry Variant Classification Scheme 2023. Collection method: clinical testing. Allele origin: germline.

NM_002890.3(RASA1):c.1413T>A (p.Phe471Leu)

Genes: CCNH (cyclin H; minus strand), RASA1 (RAS p21 protein activator 1; plus strand). Cytogenetic location: 5q14.3.
Variant type: single nucleotide variant.
Coding change: c.1413T>A on transcript NM_002890.3 (MANE Select); coding-DNA position 1413, T replaced by A.
Protein change: p.Phe471Leu; replaces phenylalanine 471 with leucine.
Molecular consequence: missense variant. On other transcripts: intron variant (1).
Genome position (GRCh38, 1-based): chr5:87,362,631, T>A. VCF-style: chr5-87362631-T-A. GRCh37 (hg19) VCF-style: chr5-86658448-T-A.
Other names: c.882T>A, p.Phe294Leu (NM_022650.3); c.933+32413A>T (NM_001364075.2); short protein forms F471L, F294L.
Identifiers: ClinVar variation 2155493 (VCV002155493.5), dbSNP rs763902213, ClinGen allele CA3335745.